The following is an entry in ClinVar:

ClinVar aggregate classification (germline): Uncertain significance (1 of 4 stars; one submission).

Conditions:
Mowat-Wilson syndrome (MOWS). Also called: Classic Mowat-Wilson Syndrome. Identifiers: Orphanet 2152, MedGen C1856113, MONDO:0009341, OMIM 235730.

gnomAD v4.1: 1 of 1,614,072 alleles (0.000062%); highest among the groups gnomAD compares: Non-Finnish European, 0.000085%; no homozygotes.

Submission:

Labcorp Genetics (formerly Invitae), Labcorp
Classification: Uncertain significance for Mowat-Wilson syndrome. Last evaluated: 2022-10-14. Review status: criteria provided, single submitter. Criteria: Invitae Variant Classification Sherloc (09022015). Collection method: clinical testing. Allele origin: germline.
Comment: This sequence change replaces proline, which is neutral and non-polar, with leucine, which is neutral and non-polar, at codon 893 of the ZEB2 protein (p.Pro893Leu). This variant is present in population databases (no rsID available, gnomAD 0.0009%). This variant has not been reported in the literature in individuals affected with ZEB2-related conditions. Advanced modeling of protein sequence and biophysical properties (such as structural, functional, and spatial information, amino acid conservation, physicochemical variation, residue mobility, and thermodynamic stability) performed at Invitae indicates that this missense variant is expected to disrupt ZEB2 protein function. In summary, the available evidence is currently insufficient to determine the role of this variant in disease. Therefore, it has been classified as a Variant of Uncertain Significance.

NM_014795.4(ZEB2):c.2678C>T (p.Pro893Leu)

Gene: ZEB2 (zinc finger E-box binding homeobox 2; minus strand). Cytogenetic location: 2q22.3.
Variant type: single nucleotide variant.
Coding change: c.2678C>T on transcript NM_014795.4 (MANE Select); coding-DNA position 2678, C replaced by T.
Protein change: p.Pro893Leu; replaces proline 893 with leucine.
Molecular consequence: missense variant.
Genome position (GRCh38, 1-based): chr2:144,398,509, G>A on the plus strand (C>T on the coding strand, the complement: ZEB2 is on the minus strand). VCF-style: chr2-144398509-G-A. GRCh37 (hg19) VCF-style: chr2-145156076-G-A.
Other names: c.2606C>T, p.Pro869Leu (NM_001171653.2); short protein forms P869L, P893L.
Identifiers: ClinVar variation 1721648 (VCV001721648.5), dbSNP rs1470387877, ClinGen allele CA348707437.